The following is an entry in ClinVar:

ClinVar aggregate classification (germline): Uncertain significance (1 of 4 stars; one submission).

Submission:

Athena Diagnostics
Classification: Uncertain significance. Last evaluated: 2025-06-06. Review status: criteria provided, single submitter. Criteria: Athena Diagnostics Criteria. Collection method: clinical testing. Allele origin: unknown.
Comment: Available data are insufficient to determine the clinical significance of the variant at this time. This variant has not been reported in large, multi-ethnic general populations. Computational tools yielded predictions that this variant is unlikely to have an effect on normal RNA splicing.

NM_001378969.1(KCND3):c.933C>T (p.Gly311=)

Gene: KCND3 (potassium voltage-gated channel subfamily D member 3; minus strand). Cytogenetic location: 1p13.2.
Variant type: single nucleotide variant.
Coding change: c.933C>T on transcript NM_001378969.1 (MANE Select); coding-DNA position 933, C replaced by T.
Protein change: p.Gly311=; no amino-acid change (glycine 311 retained).
Molecular consequence: synonymous variant.
Genome position (GRCh38, 1-based): chr1:111,981,794, G>A on the plus strand (C>T on the coding strand, the complement: KCND3 is on the minus strand). VCF-style: chr1-111981794-G-A. GRCh37 (hg19) VCF-style: chr1-112524416-G-A.
Other names: c.933C>T, p.Gly311= (NM_001378970.1, NM_004980.5, NM_172198.3).
Identifiers: ClinVar variation 4682323 (VCV004682323.1).
Genomic context (GRCh38, chr1:111,981,794, plus strand): 5'-GGCCATGGTGAGGGAGAAGAGAAGAAAGCCCAGTTCGGAGGCACAGCTCTTCAGTGTGTA[G>A]CCCAGGATCCGCAGGCCCTGGGAGTGGCGGGAAAACTTGAAGATCCTGAAGACGCGGAAG-3'
Protein context (NP_001365898.1, residues 301-321): SRHSQGLRIL[Gly311=]YTLKSCASEL